The following is an entry in ClinVar:

NM_000834.5(GRIN2B):c.3352G>T (p.Asp1118Tyr)

Gene: GRIN2B (glutamate ionotropic receptor NMDA type subunit 2B; minus strand). Cytogenetic location: 12p13.1.
Variant type: single nucleotide variant.
Coding change: c.3352G>T on transcript NM_000834.5 (MANE Select); coding-DNA position 3352, G replaced by T.
Protein change: p.Asp1118Tyr; replaces aspartic acid 1118 with tyrosine.
Molecular consequence: missense variant.
Genome position (GRCh38, 1-based): chr12:13,563,886, C>A on the plus strand (G>T on the coding strand, the complement: GRIN2B is on the minus strand). VCF-style: chr12-13563886-C-A. GRCh37 (hg19) VCF-style: chr12-13716820-C-A.
Other names: short protein forms D1118Y.
Identifiers: ClinVar variation 1684536 (VCV001684536.2), dbSNP rs2136404881, ClinGen allele CA383989852.

ClinVar aggregate classification (germline): Uncertain significance (1 of 4 stars; one submission).

Conditions:
Developmental and epileptic encephalopathy, 27 (DEE27). Also called: GRIN2B-Related Neurodevelopmental Disorder; Epileptic encephalopathy, early infantile, 27. Identifiers: Orphanet 3451, MedGen C4015316, MONDO:0014505, OMIM 616139.

Allele frequency attached by ClinVar (database versions not stated): gnomAD exomes below 0.00001.
gnomAD v4.1: 1 of 1,614,124 alleles (0.000062%); highest among the groups gnomAD compares: Non-Finnish European, 0.000085%; no homozygotes.

Submission:

Institute of Human Genetics, University of Goettingen
Classification: Uncertain significance for Developmental and epileptic encephalopathy, 27. Last evaluated: 2022-05-20. Review status: criteria provided, single submitter. Criteria: ACMG Guidelines, 2015. Collection method: clinical testing. Allele origin: unknown. Inheritance: Autosomal dominant inheritance. Observed: 1 heterozygote.
Comment: Comparison with the gnomAD browser has not provided any evidence that this sequence change is a norm variant that can also be detected in non-affected individuals. The mutation is not currently listed in ClinVar or the HGMD database; the mutation is independently classified as deleterious by two (PolyPhen-2, MutationTaster) prediction programs; the following ACMG criteria were applied for classification: PM2, PP2.